The following is an entry in ClinVar:

NM_001958.5(EEF1A2):c.1304T>C (p.Val435Ala)

Gene: EEF1A2 (eukaryotic translation elongation factor 1 alpha 2; minus strand). Cytogenetic location: 20q13.33.
Variant type: single nucleotide variant.
Coding change: c.1304T>C on transcript NM_001958.5 (MANE Select); coding-DNA position 1304, T replaced by C.
Protein change: p.Val435Ala; replaces valine 435 with alanine.
Molecular consequence: missense variant.
Genome position (GRCh38, 1-based): chr20:63,488,386, A>G on the plus strand (T>C on the coding strand, the complement: EEF1A2 is on the minus strand). VCF-style: chr20-63488386-A-G. GRCh37 (hg19) VCF-style: chr20-62119739-A-G.
Other names: short protein forms V435A.
Identifiers: ClinVar variation 1459521 (VCV001459521.6), dbSNP rs2145938177, ClinGen allele CA409643602.

ClinVar aggregate classification (germline): Pathogenic (1 of 4 stars; one submission).

Conditions:
Developmental and epileptic encephalopathy, 33 (DEE33). Also called: Epileptic encephalopathy, early infantile, 33. Identifiers: Orphanet 442835, MedGen C4225337, MONDO:0014625, OMIM 616409.

Submission:

Labcorp Genetics (formerly Invitae), Labcorp
Classification: Pathogenic for Developmental and epileptic encephalopathy, 33. Last evaluated: 2021-03-04. Review status: criteria provided, single submitter. Criteria: Invitae Variant Classification Sherloc (09022015). Collection method: clinical testing. Allele origin: germline.
Comment: For these reasons, this variant has been classified as Pathogenic. Advanced modeling of protein sequence and biophysical properties (such as structural, functional, and spatial information, amino acid conservation, physicochemical variation, residue mobility, and thermodynamic stability) performed at Invitae indicates that this missense variant is expected to disrupt EEF1A2 protein function. This variant has been observed in individual(s) with clinical features of developmental and epileptic encephalopathy (Invitae). In at least one individual the variant was observed to be de novo. The frequency data for this variant in the population databases is considered unreliable, as metrics indicate insufficient coverage at this position in the ExAC database. This sequence change replaces valine with alanine at codon 435 of the EEF1A2 protein (p.Val435Ala). The valine residue is highly conserved and there is a small physicochemical difference between valine and alanine.